The following is an entry in ClinVar:

ClinVar aggregate classification (germline): Conflicting classifications of pathogenicity. Review status: criteria provided, conflicting classifications (1 of 4 stars). 6 submissions from 6 submitters: Uncertain significance (2); Likely benign (2). 2 of the submissions do not count toward it. Last evaluated 2024-10-02.

Conditions:
Cardiovascular phenotype. Identifiers: MedGen CN230736.
Alstrom syndrome (ALMS). Identifiers: Orphanet 64, MedGen C0268425, MONDO:0008763, OMIM 203800.

Allele frequency attached by ClinVar (database versions not stated): ExAC 0.00002; gnomAD exomes 0.00004 and 0.00011; gnomAD 0.00005 and 0.00006; TOPMed 0.00008; 1000 Genomes Project 30x 0.00016; 1000 Genomes Project 0.00020.
gnomAD v4.1: 167 of 1,612,800 alleles (0.01%); highest among the groups gnomAD compares: Non-Finnish European, 0.013%; no homozygotes.

Submissions (6):

Blueprint Genetics
Classification: Likely benign. Last evaluated: 2024-10-02. Review status: criteria provided, single submitter. Criteria: ACMG Guidelines, 2015. Collection method: clinical testing. Allele origin: germline.

Ambry Genetics
Classification: Uncertain significance for Cardiovascular phenotype. Last evaluated: 2024-06-26. Review status: criteria provided, single submitter. Criteria: Ambry Variant Classification Scheme 2023. Collection method: clinical testing. Allele origin: germline.
Comment: The c.11551-3T>C intronic variant results from a T to C substitution 3 nucleotides upstream from coding exon 17 in the ALMS1 gene. This nucleotide position is poorly conserved in available vertebrate species. In silico splice site analysis predicts that this alteration will not have any significant effect on splicing. Since supporting evidence is limited at this time, the clinical significance of this alteration remains unclear.

Labcorp Genetics (formerly Invitae), Labcorp
Classification: Uncertain significance for Alstrom syndrome. Last evaluated: 2022-09-15. Review status: criteria provided, single submitter. Criteria: Invitae Variant Classification Sherloc (09022015). Collection method: clinical testing. Allele origin: germline.
Comment: This sequence change falls in intron 16 of the ALMS1 gene. It does not directly change the encoded amino acid sequence of the ALMS1 protein. It affects a nucleotide within the consensus splice site. This variant is present in population databases (rs555547573, gnomAD 0.009%). This variant has not been reported in the literature in individuals affected with ALMS1-related conditions. ClinVar contains an entry for this variant (Variation ID: 550620). Variants that disrupt the consensus splice site are a relatively common cause of aberrant splicing (PMID: 17576681, 9536098). Algorithms developed to predict the effect of sequence changes on RNA splicing suggest that this variant is not likely to affect RNA splicing. In summary, the available evidence is currently insufficient to determine the role of this variant in disease. Therefore, it has been classified as a Variant of Uncertain Significance.

GeneDx
Classification: Likely benign. Last evaluated: 2021-05-05. Review status: criteria provided, single submitter. Criteria: GeneDx Variant Classification Process June 2021. Collection method: clinical testing. Allele origin: germline. Affected: yes.

Natera, Inc.
Classification: Uncertain significance for Alstrom syndrome. Last evaluated: 2019-10-28. Review status: no assertion criteria provided. Collection method: clinical testing. Allele origin: germline. Not counted in ClinVar's aggregate classification.

Counsyl
Classification: Uncertain significance for Alstrom syndrome. Last evaluated: 2017-02-15. Review status: no assertion criteria provided. Collection method: clinical testing. Allele origin: unknown. Not counted in ClinVar's aggregate classification.

Literature cited by the submitters: PubMed 17576681 (cited by Labcorp Genetics (formerly Invitae), Labcorp); PubMed 9536098 (cited by Labcorp Genetics (formerly Invitae), Labcorp).

NM_001378454.1(ALMS1):c.11548-3T>C

Gene: ALMS1 (ALMS1 centrosome and basal body associated protein; plus strand). Cytogenetic location: 2p13.1.
Variant type: single nucleotide variant.
Coding change: c.11548-3T>C on transcript NM_001378454.1 (MANE Select); 3 bases into the intron before coding-DNA position 11548, T replaced by C.
Molecular consequence: intron variant.
Genome position (GRCh38, 1-based): chr2:73,599,398, T>C. VCF-style: chr2-73599398-T-C. GRCh37 (hg19) VCF-style: chr2-73826525-T-C.
Other names: c.11548-3T>C (NM_015120.4); c.11551-3T>C (NM_015120.4).
Identifiers: ClinVar variation 550620 (VCV000550620.12), dbSNP rs555547573, ClinGen allele CA1715242.
Genomic context (GRCh38, chr2:73,599,398, plus strand): 5'-TCCTGTGGATAACTGTGACATTGACTGCAGGTAATAATAACAAGATCTCTTTTATTTTTC[T>C]AGGTAGCAAACCATGTGATTTCTTCTGACTCTATTTCCTCTTCTGCCAGTAGTTTCCTGA-3'